The following is an entry in ClinVar:

ClinVar aggregate classification (germline): Pathogenic. Review status: criteria provided, single submitter (1 of 4 stars). 2 submissions from 2 submitters: Pathogenic (1). 1 of the submissions does not count toward it. Last evaluated 2025-11-18.

Conditions:
Sponastrime dysplasia. Also called: SPONDYLAR AND NASAL ALTERATIONS WITH STRIATED METAPHYSES. Identifiers: Orphanet 93357, MedGen C1300260, MONDO:0010068, OMIM 271510.

Allele frequency attached by ClinVar (database versions not stated): ExAC 0.00003; ESP Exome Variant Server 0.00008.

Submissions (2):

Labcorp Genetics (formerly Invitae), Labcorp
Classification: Pathogenic. Last evaluated: 2025-11-18. Review status: criteria provided, single submitter. Criteria: Invitae Variant Classification Sherloc (09022015). Collection method: clinical testing. Allele origin: germline.
Comment: This sequence change creates a premature translational stop signal (p.Arg263*) in the TONSL gene. It is expected to result in an absent or disrupted protein product. Loss-of-function variants in TONSL are known to be pathogenic (PMID: 30773277). This variant is present in population databases (rs372806119, gnomAD 0.01%). This variant has not been reported in the literature in individuals affected with TONSL-related conditions. ClinVar contains an entry for this variant (Variation ID: 1343381). For these reasons, this variant has been classified as Pathogenic.

Kasturba Medical College, Manipal, Kasturba Medical College, Manipal, Manipal Academy of Higher Education, Manipal, India
Classification: Pathogenic for Sponastrime dysplasia. Review status: no assertion criteria provided. Collection method: clinical testing. Allele origin: germline. Inheritance: Autosomal recessive inheritance. Affected: yes. Observed: 1 compound heterozygote. Not counted in ClinVar's aggregate classification.

Literature cited by the submitters: PubMed 30773277 (cited by Labcorp Genetics (formerly Invitae), Labcorp).

NM_013432.5(TONSL):c.787C>T (p.Arg263Ter)

Gene: TONSL (tonsoku like, DNA repair protein; minus strand). Cytogenetic location: 8q24.3.
Variant type: single nucleotide variant.
Coding change: c.787C>T on transcript NM_013432.5 (MANE Select); coding-DNA position 787, C replaced by T.
Protein change: p.Arg263Ter; replaces arginine 263 with a stop codon.
Molecular consequence: nonsense.
Genome position (GRCh38, 1-based): chr8:144,442,115, G>A on the plus strand (C>T on the coding strand, the complement: TONSL is on the minus strand). VCF-style: chr8-144442115-G-A. GRCh37 (hg19) VCF-style: chr8-145667498-G-A.
Other names: short protein forms R263*.
Identifiers: ClinVar variation 1343381 (VCV001343381.7), dbSNP rs372806119, ClinGen allele CA4943496.